The following is an entry in ClinVar:

NM_001853.4(COL9A3):c.347G>A (p.Gly116Asp)

Gene: COL9A3 (collagen type IX alpha 3 chain; plus strand). Cytogenetic location: 20q13.33.
Variant type: single nucleotide variant.
Coding change: c.347G>A on transcript NM_001853.4 (MANE Select); coding-DNA position 347, G replaced by A.
Protein change: p.Gly116Asp; replaces glycine 116 with aspartic acid.
Molecular consequence: missense variant.
Genome position (GRCh38, 1-based): chr20:62,821,508, G>A. VCF-style: chr20-62821508-G-A. GRCh37 (hg19) VCF-style: chr20-61452860-G-A.
Other names: short protein forms G116D.
Identifiers: ClinVar variation 2711467 (VCV002711467.3), dbSNP rs1301590642, ClinGen allele CA409588219.
Genomic context (GRCh38, chr20:62,821,508, plus strand): 5'-GGGTGAGGCGCAGCCCTTCTTGTGCCTGGCAGGCTCTGACCCCATGTTTGGCTTTGCAGG[G>A]CAAAGGCCTCCCTGGACCCCCCGTGAGTACTGACAACCCTTGGGGCCCTGAGCAAGCACG-3'
Protein context (NP_001844.3, residues 106-126): LGPPGPPGLG[Gly116Asp]KGLPGPPGEA

ClinVar aggregate classification (germline): Uncertain significance (1 of 4 stars; one submission).

Allele frequency attached by ClinVar (database versions not stated): gnomAD exomes below 0.00001.
gnomAD v4.1: 2 of 1,612,854 alleles (0.00012%); highest among the groups gnomAD compares: Admixed American, 0.0033%; no homozygotes.

Submission:

Labcorp Genetics (formerly Invitae), Labcorp
Classification: Uncertain significance. Last evaluated: 2025-03-31. Review status: criteria provided, single submitter. Criteria: Invitae Variant Classification Sherloc (09022015). Collection method: clinical testing. Allele origin: germline.
Comment: This sequence change replaces glycine, which is neutral and non-polar, with aspartic acid, which is acidic and polar, at codon 116 of the COL9A3 protein (p.Gly116Asp). The frequency data for this variant in the population databases is considered unreliable, as metrics indicate poor data quality at this position in the gnomAD database. This variant has not been reported in the literature in individuals affected with COL9A3-related conditions. ClinVar contains an entry for this variant (Variation ID: 2711467). Experimental studies and prediction algorithms are not available or were not evaluated, and the functional significance of this variant is currently unknown. In summary, the available evidence is currently insufficient to determine the role of this variant in disease. Therefore, it has been classified as a Variant of Uncertain Significance.